The following is an entry in ClinVar:

ClinVar aggregate classification (germline): Uncertain significance. Review status: criteria provided, single submitter (1 of 4 stars). 2 submissions from 2 submitters: Uncertain significance (1). 1 of the submissions does not count toward it. Last evaluated 2025-01-29.

Conditions:
COL4A6-related disorder. Also called: COL4A6-related condition.

Allele frequency attached by ClinVar (database versions not stated): TOPMed 0.00007; ESP Exome Variant Server 0.00009; gnomAD 0.00010; ExAC 0.00011; gnomAD exomes 0.00011.
gnomAD v4.1: 125 of 1,205,554 alleles (0.01%); highest among the groups gnomAD compares: Non-Finnish European, 0.013%; 1 homozygote.

Submissions (2):

Labcorp Genetics (formerly Invitae), Labcorp
Classification: Uncertain significance. Last evaluated: 2025-01-29. Review status: criteria provided, single submitter. Criteria: Invitae Variant Classification Sherloc (09022015). Collection method: clinical testing. Allele origin: germline.
Comment: This sequence change falls in intron 24 of the COL4A6 gene. It does not directly change the encoded amino acid sequence of the COL4A6 protein. It affects a nucleotide within the consensus splice site. This variant is present in population databases (rs375742203, gnomAD 0.02%). This variant has not been reported in the literature in individuals affected with COL4A6-related conditions. ClinVar contains an entry for this variant (Variation ID: 2879554). Variants that disrupt the consensus splice site are a relatively common cause of aberrant splicing (PMID: 17576681, 9536098). Algorithms developed to predict the effect of sequence changes on RNA splicing suggest that this variant is not likely to affect RNA splicing. In summary, the available evidence is currently insufficient to determine the role of this variant in disease. Therefore, it has been classified as a Variant of Uncertain Significance.

PreventionGenetics, part of Exact Sciences
Classification: Likely benign for COL4A6-related condition. Last evaluated: 2020-11-24. Review status: no assertion criteria provided. Collection method: clinical testing. Allele origin: germline. Not counted in ClinVar's aggregate classification.
Comment: This variant is classified as likely benign based on ACMG/AMP sequence variant interpretation guidelines (Richards et al. 2015 PMID: 25741868, with internal and published modifications).

Literature cited by the submitters: PubMed 17576681 (cited by Labcorp Genetics (formerly Invitae), Labcorp); PubMed 9536098 (cited by Labcorp Genetics (formerly Invitae), Labcorp).

NM_033641.4(COL4A6):c.2023+4T>C

Gene: COL4A6 (collagen type IV alpha 6 chain; minus strand). Cytogenetic location: Xq22.3.
Variant type: single nucleotide variant.
Coding change: c.2023+4T>C on transcript NM_033641.4 (MANE Select); 4 bases into the intron after coding-DNA position 2023, T replaced by C.
Molecular consequence: intron variant.
Genome position (GRCh38, 1-based): chrX:108,180,893, A>G on the plus strand (T>C on the coding strand, the complement: COL4A6 is on the minus strand). VCF-style: chrX-108180893-A-G. GRCh37 (hg19) VCF-style: chrX-107424123-A-G.
Other names: c.2026+4T>C (NM_001847.4, NM_001847.3); c.2023+4T>C (NM_001287760.2, NM_001287759.2); c.2074+4T>C (NM_001287758.2).
Identifiers: ClinVar variation 2879554 (VCV002879554.5), dbSNP rs375742203, ClinGen allele CA10487709.
Genomic context (GRCh38, chrX:108,180,893, plus strand): 5'-TGCTTCCTTTGCCTTATGGCCCTTACAAGAGTGTTTAGTGGCTTTCTCTGGCCTCATTCC[A>G]TACCTGGGAATCCGGGAGTGCCTGGAAATCCTGATGGACCGTATGACCCAGGAATAATAC-3'